The following is an entry in ClinVar:

ClinVar aggregate classification (germline): Likely benign. Review status: criteria provided, multiple submitters, no conflicts (2 of 4 stars). 2 submissions from 2 submitters: Likely benign (2). Last evaluated 2024-06-13.

Allele frequency attached by ClinVar (database versions not stated): TOPMed 0.00024; 1000 Genomes Project 0.00060; 1000 Genomes Project 30x 0.00062; ExAC 0.00017; ESP Exome Variant Server 0.00023; gnomAD 0.00023.
gnomAD v4.1: 518 of 1,568,584 alleles (0.033%); highest among the groups gnomAD compares: Non-Finnish European, 0.041%; no homozygotes.

Submissions (2):

Blueprint Genetics
Classification: Likely benign. Last evaluated: 2024-06-13. Review status: criteria provided, single submitter. Criteria: ACMG Guidelines, 2015. Collection method: clinical testing. Allele origin: germline.

CeGaT Center for Human Genetics Tuebingen
Classification: Likely benign. Last evaluated: 2024-04-01. Review status: criteria provided, single submitter. Criteria: CeGaT Center For Human Genetics Tuebingen Variant Classification Criteria Version 2. Collection method: clinical testing. Allele origin: germline. Affected: yes. Observed: 3 variant alleles.
Comment: GFAP: BP4, BS2

NM_002055.5(GFAP):c.-1G>A

Gene: GFAP (glial fibrillary acidic protein; minus strand). Cytogenetic location: 17q21.31.
Variant type: single nucleotide variant.
Coding change: c.-1G>A on transcript NM_002055.5 (MANE Select); 1 bases upstream of the start codon, G replaced by A.
Molecular consequence: 5 prime UTR variant.
Genome position (GRCh38, 1-based): chr17:44,915,487, C>T on the plus strand (G>A on the coding strand, the complement: GFAP is on the minus strand). VCF-style: chr17-44915487-C-T. GRCh37 (hg19) VCF-style: chr17-42992855-C-T.
Other names: c.-1G>A (NM_001131019.3, NM_001242376.3, NM_001363846.2).
Identifiers: ClinVar variation 2647843 (VCV002647843.25), dbSNP rs370571565, ClinGen allele CA8609140.